The following is an entry in ClinVar:

ClinVar aggregate classification (germline): Uncertain significance (1 of 4 stars; one submission).

Allele frequency attached by ClinVar (database versions not stated): gnomAD exomes below 0.00001 and 0.00001; ExAC 0.00001.
gnomAD v4.1: 3 of 1,613,578 alleles (0.00019%); highest among the groups gnomAD compares: East Asian, 0.0022%; no homozygotes.

Submission:

Labcorp Genetics (formerly Invitae), Labcorp
Classification: Uncertain significance. Last evaluated: 2022-02-05. Review status: criteria provided, single submitter. Criteria: Invitae Variant Classification Sherloc (09022015). Collection method: clinical testing. Allele origin: germline.
Comment: This sequence change replaces leucine, which is neutral and non-polar, with valine, which is neutral and non-polar, at codon 613 of the GPAA1 protein (p.Leu613Val). This variant is present in population databases (rs781834246, gnomAD 0.01%). This variant has not been reported in the literature in individuals affected with GPAA1-related conditions. Algorithms developed to predict the effect of missense changes on protein structure and function are either unavailable or do not agree on the potential impact of this missense change (SIFT: "Tolerated"; PolyPhen-2: "Probably Damaging"; Align-GVGD: "Class C0"). In summary, the available evidence is currently insufficient to determine the role of this variant in disease. Therefore, it has been classified as a Variant of Uncertain Significance.

NM_003801.4(GPAA1):c.1837C>G (p.Leu613Val)

Gene: GPAA1 (glycosylphosphatidylinositol anchor attachment 1; plus strand). Cytogenetic location: 8q24.3.
Variant type: single nucleotide variant.
Coding change: c.1837C>G on transcript NM_003801.4 (MANE Select); coding-DNA position 1837, C replaced by G.
Protein change: p.Leu613Val; replaces leucine 613 with valine.
Molecular consequence: missense variant.
Genome position (GRCh38, 1-based): chr8:144,086,096, C>G. VCF-style: chr8-144086096-C-G. GRCh37 (hg19) VCF-style: chr8-145140999-C-G.
Other names: short protein forms L613V.
Identifiers: ClinVar variation 1487590 (VCV001487590.5), dbSNP rs781834246, ClinGen allele CA4933267.